The following is an entry in ClinVar:

ClinVar aggregate classification (germline): Pathogenic. Review status: criteria provided, multiple submitters, no conflicts (2 of 4 stars). 4 submissions from 4 submitters: Pathogenic (4). Last evaluated 2025-02-25.

Conditions:
Nemaline myopathy 2 (NEM2). Also called: Nemaline myopathy 2, autosomal recessive. Identifiers: MedGen C1850569, MONDO:0009725, OMIM 256030.
Arthrogryposis multiplex congenita 6. Identifiers: MedGen C5543431, MONDO:0030281, OMIM 619334.

Submissions (4):

Natera, Inc.
Classification: Pathogenic for Nemaline myopathy type 2. Last evaluated: 2025-02-25. Review status: criteria provided, single submitter. Criteria: Natera Variant Classification Schema (03/2026). Collection method: clinical testing. Allele origin: germline.
Comment: The c.24287_24290dup variant in NEB is a frameshift variant predicted to shift the reading frame beginning at codon 8097 and leads to a stop codon 8 codons downstream. This variant is expected to result in nonsense mediated decay, truncation, or a dysfunctional protein product. This variant is rare in the general population with a frequency below the threshold expected for the associated phenotype(s). This variant has been observed in one or more individuals affected with the associated recessive disease, as either homozygous or compound heterozygous with a second variant (PMID: 12207938, 32222963). Given the available evidence, this variant is classified as Pathogenic.

Revvity Omics, Revvity
Classification: Pathogenic. Last evaluated: 2023-09-27. Review status: criteria provided, single submitter. Criteria: ACMG Guidelines, 2015. Collection method: clinical testing. Allele origin: germline.

Fulgent Genetics
Classification: Pathogenic for Nemaline myopathy 2; Arthrogryposis multiplex congenita 6. Last evaluated: 2022-05-20. Review status: criteria provided, single submitter. Criteria: ACMG Guidelines, 2015. Collection method: clinical testing. Allele origin: unknown.

Labcorp Genetics (formerly Invitae), Labcorp
Classification: Pathogenic for Nemaline myopathy 2. Last evaluated: 2021-09-02. Review status: criteria provided, single submitter. Criteria: Invitae Variant Classification Sherloc (09022015). Collection method: clinical testing. Allele origin: germline.
Comment: For these reasons, this variant has been classified as Pathogenic. This premature translational stop signal has been observed in individual(s) with nemaline myopathy (PMID: 32222963). This variant is not present in population databases (ExAC no frequency). This sequence change creates a premature translational stop signal (p.His8097Glnfs*8) in the NEB gene. It is expected to result in an absent or disrupted protein product. Loss-of-function variants in NEB are known to be pathogenic (PMID: 25205138).

Literature cited by the submitters: PubMed 12207938 (cited by Natera, Inc.); PubMed 32222963 (cited by Natera, Inc. and Labcorp Genetics (formerly Invitae), Labcorp); PubMed 25205138 (cited by Labcorp Genetics (formerly Invitae), Labcorp).

NM_001164508.2(NEB):c.24182_24185dup (p.His8062fs)

Genes: NEB (nebulin; minus strand), RIF1 (replication timing regulatory factor 1; plus strand). Cytogenetic location: 2q23.3.
Variant type: Duplication.
Coding change: c.24182_24185dup on transcript NM_001164508.2 (MANE Select); coding-DNA positions 24182 to 24185, 4 bases duplicated (AACA; older notation c.24182_24185dupAACA).
Protein change: p.His8062fs; shifts the reading frame from histidine 8062.
Molecular consequence: frameshift variant. On other transcripts: intron variant (1).
Genome position (GRCh38, 1-based): chr2:151,498,282-151,498,285, TGTT duplicated on the plus strand (AACA on the coding strand, the reverse complement: NEB is on the minus strand); duplicating any 4 consecutive bases within chr2:151,498,282-151,498,287 gives the same sequence; the c. name uses the placement nearest the transcript's 3' end. VCF-style (leftmost placement, unchanged base first): chr2-151498281-G-GTGTT. GRCh37 (hg19) VCF-style: chr2-152354795-G-GTGTT.
Other names: c.24287_24290dup (NM_001271208.1); c.24182_24185dup, p.His8062fs (NM_001164507.2); c.24287_24290dup, p.His8097fs (NM_001271208.2); c.18826-1917_18826-1914dup (NM_004543.5); short protein forms H8062fs, H8097fs.
Identifiers: ClinVar variation 1458223 (VCV001458223.11), dbSNP rs2152991690, ClinGen allele CA2573133320.
Genomic context (GRCh38, chr2:151,498,281, plus strand): 5'-AAGTTAAGTGGCATTTTTTCCCCTTTCTTTCCAAAATACCGAGCTAAGGTTTTCTTGATT[G>GTGTT]TGTTTGACTCTCTGCATCTCAGGAGTGATGGGGATTGGAATTCCTGTCCCCAGGTTTTCT-3'